The following is an entry in ClinVar:

NM_030962.4(SBF2):c.4279C>T (p.Leu1427Phe)

Genes: SBF2 (SET binding factor 2; minus strand), SBF2-AS1 (SBF2 antisense RNA 1; plus strand). Cytogenetic location: 11p15.4.
Variant type: single nucleotide variant.
Coding change: c.4279C>T on transcript NM_030962.4 (MANE Select); coding-DNA position 4279, C replaced by T.
Protein change: p.Leu1427Phe; replaces leucine 1427 with phenylalanine.
Molecular consequence: missense variant. On other transcripts: non-coding transcript variant (1).
Genome position (GRCh38, 1-based): chr11:9,808,164, G>A on the plus strand (C>T on the coding strand, the complement: SBF2 is on the minus strand). VCF-style: chr11-9808164-G-A. GRCh37 (hg19) VCF-style: chr11-9829711-G-A.
Other names: c.4375C>T, p.Leu1459Phe (NM_001386339.1); c.4150C>T, p.Leu1384Phe (NM_001386342.1); short protein forms L1427F, L1459F, L1384F.
Identifiers: ClinVar variation 1499263 (VCV001499263.6), dbSNP rs760329902, ClinGen allele CA5880996.
Genomic context (GRCh38, chr11:9,808,164, plus strand): 5'-GCCACTCTTTTTCAACCAACATCTGGAAGCCTTCAAGTGTCCTATAAAAGGGATCACTGA[G>A]TAACTGAACCAGGGATGTCACCTAGGGCATAAGCAGGATGGATTGTCATTAATTTTAGTT-3'
Protein context (NP_112224.1, residues 1417-1437): TAQVTSLVQL[Leu1427Phe]SDPFYRTLEG

ClinVar aggregate classification (germline): Uncertain significance (1 of 4 stars; one submission).

Conditions:
Charcot-Marie-Tooth disease type 4. Also called: Charcot-Marie-Tooth disease, type IV; Charcot-Marie-Tooth, Type 4. Identifiers: Orphanet 64749, MedGen C4082197, MONDO:0018995.

Allele frequency attached by ClinVar (database versions not stated): gnomAD exomes below 0.00001; TOPMed below 0.00001; ExAC 0.00001.
gnomAD v4.1: 1 of 1,614,068 alleles (0.000062%); highest among the groups gnomAD compares: South Asian, 0.0011%; no homozygotes.

Submission:

Labcorp Genetics (formerly Invitae), Labcorp
Classification: Uncertain significance for Charcot-Marie-Tooth disease type 4. Last evaluated: 2022-08-31. Review status: criteria provided, single submitter. Criteria: Invitae Variant Classification Sherloc (09022015). Collection method: clinical testing. Allele origin: germline.
Comment: In summary, the available evidence is currently insufficient to determine the role of this variant in disease. Therefore, it has been classified as a Variant of Uncertain Significance. Algorithms developed to predict the effect of missense changes on protein structure and function are either unavailable or do not agree on the potential impact of this missense change (SIFT: "Deleterious"; PolyPhen-2: "Probably Damaging"; Align-GVGD: "Class C0"). ClinVar contains an entry for this variant (Variation ID: 1499263). This variant has not been reported in the literature in individuals affected with SBF2-related conditions. This variant is present in population databases (rs760329902, gnomAD 0.003%). This sequence change replaces leucine, which is neutral and non-polar, with phenylalanine, which is neutral and non-polar, at codon 1427 of the SBF2 protein (p.Leu1427Phe).